The following is an entry in ClinVar:

NM_001037.5(SCN1B):c.630C>A (p.Asn210Lys)

Gene: SCN1B (sodium voltage-gated channel beta subunit 1; plus strand). Cytogenetic location: 19q13.11.
Variant type: single nucleotide variant.
Coding change: c.630C>A on transcript NM_001037.5 (MANE Select); coding-DNA position 630, C replaced by A.
Protein change: p.Asn210Lys; replaces asparagine 210 with lysine.
Molecular consequence: missense variant.
Genome position (GRCh38, 1-based): chr19:35,039,674, C>A. VCF-style: chr19-35039674-C-A. GRCh37 (hg19) VCF-style: chr19-35530578-C-A.
Other names: p.N210K:AAC>AAA; c.531C>A, p.Asn177Lys (NM_001321605.2); short protein forms N210K, N177K.
Identifiers: ClinVar variation 190876 (VCV000190876.4), dbSNP rs786205836, ClinGen allele CA302184.

ClinVar aggregate classification (germline): Uncertain significance (1 of 4 stars; one submission).

Submission:

GeneDx
Classification: Uncertain significance. Last evaluated: 2014-01-28. Review status: criteria provided, single submitter. Criteria: GeneDx Variant Classification (06012015). Collection method: clinical testing. Allele origin: germline. Affected: yes.
Comment: p.Asn210Lys (AAC>AAA): c.630 C>A in exon 5 of the SCN1B gene (NM_001037.4). The Asn210Lys missense change in the SCN1B gene has not been published as a mutation, nor has it been reported as a benign polymorphism to our knowledge. It was not observed in approximately 6,500 individuals of European and African American ancestry in the NHLBI Exome Sequencing Project, indicating it is not a common benign variant in these populations. The Asn210Lys variant is a semi-conservative amino acid substitution as these residues share similar properties, but differ in size, charge, or other properties which may impact secondary structure. The variant alters a position that is highly conserved across species, and in silico analysis predicts this variant is probably damaging to the protein structure/function. Therefore, based on the currently available information, it is unclear whether Asn210Lys is a disease-causing mutation or a rare benign variant. The variant is found in INFANT-EPI panel(s).